The following is an entry in ClinVar:

NM_032242.4(PLXNA1):c.2889C>G (p.Phe963Leu)

Genes: PLXNA1 (plexin A1; plus strand), LOC129937476 (ATAC-STARR-seq lymphoblastoid active region 20450; plus strand). Cytogenetic location: 3q21.3.
Variant type: single nucleotide variant.
Coding change: c.2889C>G on transcript NM_032242.4 (MANE Select); coding-DNA position 2889, C replaced by G.
Protein change: p.Phe963Leu; replaces phenylalanine 963 with leucine.
Molecular consequence: missense variant.
Genome position (GRCh38, 1-based): chr3:127,015,195, C>G. VCF-style: chr3-127015195-C-G. GRCh37 (hg19) VCF-style: chr3-126734038-C-G.
Other names: short protein forms F963L.
Identifiers: ClinVar variation 4990305 (VCV004990305.1).
Genomic context (GRCh38, chr3:127,015,195, plus strand): 5'-CCCGAGGGGGACTTTCCTGAGAGTTTCAGCAAGTTCCCTCTTCCTGCAGACACCAACCTT[C>G]TACCGTGTGAGCCCCTCCCGTGGGCCTCTGTCAGGGGGCACCTGGATTGGCATCGAGGGA-3'
Protein context (NP_115618.3, residues 953-973): PKRFTFVTPT[Phe963Leu]YRVSPSRGPL

ClinVar aggregate classification (germline): Uncertain significance (1 of 4 stars; one submission).

Conditions:
PLXNA1-related disorder. Also called: PLXNA1-related condition.

gnomAD v4.1: 4 of 1,612,438 alleles (0.00025%); highest among the groups gnomAD compares: African/African-American, 0.0053%; no homozygotes.

Submission:

PreventionGenetics, part of Exact Sciences
Classification: Uncertain significance for PLXNA1-related condition. Last evaluated: 2025-04-22. Review status: criteria provided, single submitter. Criteria: ACMG Guidelines, 2015. Collection method: clinical testing. Allele origin: germline.
Comment: The PLXNA1 c.2889C>G variant is predicted to result in the amino acid substitution p.Phe963Leu. To our knowledge, this variant has not been reported in the literature. This variant is reported in 0.012% of alleles in individuals of African descent in gnomAD. At this time, the clinical significance of this variant is uncertain due to the absence of conclusive functional and genetic evidence.